The following is an entry in ClinVar:

ClinVar aggregate classification (germline): Uncertain significance (1 of 4 stars; one submission).

gnomAD v4.1: 3 of 1,614,120 alleles (0.00019%); highest among the groups gnomAD compares: Admixed American, 0.005%; no homozygotes.

Submission:

Labcorp Genetics (formerly Invitae), Labcorp
Classification: Uncertain significance. Last evaluated: 2024-02-23. Review status: criteria provided, single submitter. Criteria: Invitae Variant Classification Sherloc (09022015). Collection method: clinical testing. Allele origin: germline.
Comment: This sequence change affects codon 129 of the NDE1 mRNA. It is a 'silent' change, meaning that it does not change the encoded amino acid sequence of the NDE1 protein. It affects a nucleotide within the consensus splice site. This variant is present in population databases (no rsID available, gnomAD 0.006%). This variant has not been reported in the literature in individuals affected with NDE1-related conditions. ClinVar contains an entry for this variant (Variation ID: 1943829). Algorithms developed to predict the effect of sequence changes on RNA splicing suggest that this variant is not likely to affect RNA splicing. In summary, the available evidence is currently insufficient to determine the role of this variant in disease. Therefore, it has been classified as a Variant of Uncertain Significance.

NM_017668.3(NDE1):c.387C>A (p.Arg129=)

Gene: NDE1 (nudE neurodevelopment protein 1; plus strand). Cytogenetic location: 16p13.11.
Variant type: single nucleotide variant.
Coding change: c.387C>A on transcript NM_017668.3 (MANE Select); coding-DNA position 387, C replaced by A.
Protein change: p.Arg129=; no amino-acid change (arginine 129 retained).
Molecular consequence: synonymous variant.
Genome position (GRCh38, 1-based): chr16:15,687,375, C>A. VCF-style: chr16-15687375-C-A. GRCh37 (hg19) VCF-style: chr16-15781232-C-A.
Other names: c.387C>A, p.Arg129= (NM_001143979.2).
Identifiers: ClinVar variation 1943829 (VCV001943829.5), dbSNP rs373842185, ClinGen allele CA493736697.